The following is an entry in ClinVar:

ClinVar aggregate classification (germline): Uncertain significance (1 of 4 stars; one submission).

Conditions:
Joubert syndrome. Also called: CEREBELLOPARENCHYMAL DISORDER IV; JOUBERT-BOLTSHAUSER SYNDROME; Familial aplasia of the vermis. Identifiers: Orphanet 475, MedGen C5979921, MONDO:0018772.
Meckel-Gruber syndrome. Also called: DYSENCEPHALIA SPLANCHNOCYSTICA; GRUBER SYNDROME; Dysencephalia splachnocystica. Identifiers: Orphanet 564, MedGen C0265215, MONDO:0018921.

Allele frequency attached by ClinVar (database versions not stated): gnomAD exomes 0.00001.
gnomAD v4.1: 10 of 1,581,152 alleles (0.00063%); highest among the groups gnomAD compares: Non-Finnish European, 0.00086%; no homozygotes.

Submission:

Labcorp Genetics (formerly Invitae), Labcorp
Classification: Uncertain significance for Joubert syndrome; Meckel-Gruber syndrome. Last evaluated: 2022-06-01. Review status: criteria provided, single submitter. Criteria: Invitae Variant Classification Sherloc (09022015). Collection method: clinical testing. Allele origin: germline.
Comment: Algorithms developed to predict the effect of missense changes on protein structure and function (SIFT, PolyPhen-2, Align-GVGD) all suggest that this variant is likely to be disruptive. This variant has not been reported in the literature in individuals affected with TCTN1-related conditions. This variant is present in population databases (no rsID available, gnomAD 0.001%). This sequence change replaces aspartic acid, which is acidic and polar, with glycine, which is neutral and non-polar, at codon 116 of the TCTN1 protein (p.Asp116Gly). In summary, the available evidence is currently insufficient to determine the role of this variant in disease. Therefore, it has been classified as a Variant of Uncertain Significance.

NM_001082538.3(TCTN1):c.347A>G (p.Asp116Gly)

Gene: TCTN1 (tectonic family member 1; plus strand). Cytogenetic location: 12q24.11.
Variant type: single nucleotide variant.
Coding change: c.347A>G on transcript NM_001082538.3 (MANE Select); coding-DNA position 347, A replaced by G.
Protein change: p.Asp116Gly; replaces aspartic acid 116 with glycine.
Molecular consequence: missense variant. On other transcripts: 5 prime UTR variant (1), non-coding transcript variant (1).
Genome position (GRCh38, 1-based): chr12:110,626,367, A>G. VCF-style: chr12-110626367-A-G. GRCh37 (hg19) VCF-style: chr12-111064172-A-G.
Other names: c.347A>G, p.Asp116Gly (NM_001082537.3, NM_001319680.2, NM_024549.6); c.179A>G, p.Asp60Gly (NM_001173975.3, NM_001319682.3); c.167A>G, p.Asp56Gly (NM_001173976.2); c.-361A>G (NM_001319681.2); short protein forms D116G, D60G, D56G.
Identifiers: ClinVar variation 2161716 (VCV002161716.4), dbSNP rs1324133310, ClinGen allele CA386701551.
Genomic context (GRCh38, chr12:110,626,367, plus strand): 5'-TAAGATTGTGTGCTTATGTCTTGTAACTTTGTATTATTATTTTTTTAATTTTCAGGGGCG[A>G]CAGCCAGTTTTGTAGTCAAAAAGCAGTCATCTATTCATTGAATTTTACAGCAAACCCACC-3'
Protein context (NP_001076007.1, residues 106-126): SACSVPVVTG[Asp116Gly]SQFCSQKAVI